The following is an entry in ClinVar:

ClinVar aggregate classification (germline): Uncertain significance. Review status: criteria provided, multiple submitters, no conflicts (2 of 4 stars). 3 submissions from 3 submitters: Uncertain significance (2). 1 of the submissions does not count toward it. Last evaluated 2026-04-24.

Conditions:
Familial dysautonomia. Also called: FD; HSAN III. Identifiers: Orphanet 1764, MedGen C0013364, MONDO:0009131, OMIM 223900. Disease mechanism: loss of function.

Allele frequency attached by ClinVar (database versions not stated): TOPMed below 0.00001; gnomAD exomes 0.00001.
gnomAD v4.1: 10 of 1,613,910 alleles (0.00062%); highest among the groups gnomAD compares: Non-Finnish European, 0.00085%; no homozygotes.

Submissions (3):

Women's Health and Genetics/Laboratory Corporation of America, LabCorp
Classification: Uncertain significance. Last evaluated: 2026-04-24. Review status: criteria provided, single submitter. Criteria: LabCorp Variant Classification Summary - May 2015. Collection method: clinical testing. Allele origin: germline.
Comment: Variant summary: ELP1 c.1190-5T>A alters a nucleotide located at a position not widely known to affect splicing. Several computational tools predict a significant impact on normal splicing: Five predict the variant creates a cryptic 3' acceptor site. One predict the variant abolishes a 3' acceptor site. Three predict the variant weakens a 3' acceptor site. However, these predictions have yet to be confirmed by functional studies. The variant allele was found at a frequency of 1.4e-05 in 282442 control chromosomes. The available data on variant occurrences in the general population are insufficient to allow any conclusion about variant significance. To our knowledge, no occurrence of c.1190-5T>A in individuals affected with ELP1-related conditions and no experimental evidence demonstrating its impact on protein function have been reported. ClinVar contains an entry for this variant (Variation ID: 946899). Based on the evidence outlined above, the variant was classified as uncertain significance.

Labcorp Genetics (formerly Invitae), Labcorp
Classification: Uncertain significance. Last evaluated: 2023-10-22. Review status: criteria provided, single submitter. Criteria: Invitae Variant Classification Sherloc (09022015). Collection method: clinical testing. Allele origin: germline.
Comment: This sequence change falls in intron 11 of the ELP1 gene. It does not directly change the encoded amino acid sequence of the ELP1 protein. This variant is present in population databases (no rsID available, gnomAD 0.003%). This variant has not been reported in the literature in individuals affected with ELP1-related conditions. ClinVar contains an entry for this variant (Variation ID: 946899). Algorithms developed to predict the effect of sequence changes on RNA splicing suggest that this variant may disrupt the consensus splice site. In summary, the available evidence is currently insufficient to determine the role of this variant in disease. Therefore, it has been classified as a Variant of Uncertain Significance.

Natera, Inc.
Classification: Uncertain significance for Familial dysautonomia. Last evaluated: 2020-06-15. Review status: no assertion criteria provided. Collection method: clinical testing. Allele origin: germline. Not counted in ClinVar's aggregate classification.

NM_003640.5(ELP1):c.1190-5T>A

Gene: ELP1 (elongator acetyltransferase complex subunit 1; minus strand). Cytogenetic location: 9q31.3.
Variant type: single nucleotide variant.
Coding change: c.1190-5T>A on transcript NM_003640.5 (MANE Select); 5 bases into the intron before coding-DNA position 1190, T replaced by A.
Molecular consequence: intron variant.
Genome position (GRCh38, 1-based): chr9:108,911,185, A>T on the plus strand (T>A on the coding strand, the complement: ELP1 is on the minus strand). VCF-style: chr9-108911185-A-T. GRCh37 (hg19) VCF-style: chr9-111673465-A-T.
Other names: c.848-5T>A (NM_001318360.2); c.143-5T>A (NM_001330749.2).
Identifiers: ClinVar variation 946899 (VCV000946899.8), dbSNP rs1348750667, ClinGen allele CA589607385.